The following is an entry in ClinVar:

NM_001164508.2(NEB):c.24781dup (p.Ser8261fs)

Genes: NEB (nebulin; minus strand), RIF1 (replication timing regulatory factor 1; plus strand). Cytogenetic location: 2q23.3.
Variant type: Duplication.
Coding change: c.24781dup on transcript NM_001164508.2 (MANE Select); coding-DNA position 24781, one base duplicated (A; older notation c.24781dupA).
Protein change: p.Ser8261fs; shifts the reading frame from serine 8261.
Molecular consequence: frameshift variant.
Genome position (GRCh38, 1-based): chr2:151,492,479, T duplicated on the plus strand (A on the coding strand, the reverse complement: NEB is on the minus strand). VCF-style (leftmost placement, unchanged base first): chr2-151492478-C-CT. GRCh37 (hg19) VCF-style: chr2-152348992-C-CT.
Other names: c.24781dup, p.Ser8261fs (NM_001164507.2); c.24886dup, p.Ser8296fs (NM_001271208.2); c.19213dup, p.Ser6405fs (NM_004543.5); short protein forms S6405fs, S8261fs, S8296fs.
Identifiers: ClinVar variation 4814768 (VCV004814768.1).

ClinVar aggregate classification (germline): Likely pathogenic (1 of 4 stars; one submission).

Conditions:
Nemaline myopathy 2 (NEM2). Also called: Nemaline myopathy 2, autosomal recessive. Identifiers: MedGen C1850569, MONDO:0009725, OMIM 256030.

Submission:

Natera, Inc.
Classification: Likely pathogenic for Nemaline myopathy type 2. Last evaluated: 2024-11-18. Review status: criteria provided, single submitter. Criteria: Natera Variant Classification Schema (03/2026). Collection method: clinical testing. Allele origin: germline.
Comment: The c.24886dup variant in NEB is a frameshift variant predicted to shift the reading frame beginning at codon 8296 and leads to a stop codon 36 codons downstream. This variant is expected to result in nonsense mediated decay, truncation, or a dysfunctional protein product. This variant is rare in the general population with a frequency below the threshold expected for the associated phenotype(s). Given the available evidence, this variant is classified as Likely Pathogenic.